The following is an entry in ClinVar:

NM_000091.5(COL4A3):c.3595T>C (p.Phe1199Leu)

Genes: COL4A3 (collagen type IV alpha 3 chain; plus strand), MFF-DT (MFF divergent transcript; minus strand). Cytogenetic location: 2q36.3.
Variant type: single nucleotide variant.
Coding change: c.3595T>C on transcript NM_000091.5 (MANE Select); coding-DNA position 3595, T replaced by C.
Protein change: p.Phe1199Leu; replaces phenylalanine 1199 with leucine.
Molecular consequence: missense variant.
Genome position (GRCh38, 1-based): chr2:227,297,703, T>C. VCF-style: chr2-227297703-T-C. GRCh37 (hg19) VCF-style: chr2-228162419-T-C.
Other names: short protein forms F1199L.
Identifiers: ClinVar variation 2166269 (VCV002166269.2), dbSNP rs779975412, ClinGen allele CA350859940.
Genomic context (GRCh38, chr2:227,297,703, plus strand): 5'-AAAGAAACTTATTAAGCCTTCTTCTTTGCAGGAGCCAAAGGAGACAGGGGAGCCCCAGGT[T>C]TTCCTGGCCTCCCGGGCAGAAAAGGGGCCATGGGAGATGCTGGACCTCGAGGACCCACAG-3'
Protein context (NP_000082.2, residues 1189-1209): GAKGDRGAPG[Phe1199Leu]PGLPGRKGAM

ClinVar aggregate classification (germline): Uncertain significance. Review status: criteria provided, multiple submitters, no conflicts (2 of 4 stars). 2 submissions from 2 submitters: Uncertain significance (2). Last evaluated 2024-07-09.

gnomAD v4.1: 1 of 1,609,160 alleles (0.000062%); highest among the groups gnomAD compares: Admixed American, 0.0017%; no homozygotes.

Submissions (2):

GeneDx
Classification: Uncertain significance. Last evaluated: 2024-07-09. Review status: criteria provided, single submitter. Criteria: GeneDx Variant Classification Process June 2021. Collection method: clinical testing. Allele origin: germline. Affected: yes.
Comment: Not observed at significant frequency in large population cohorts (gnomAD); In silico analysis indicates that this missense variant does not alter protein structure/function; Has not been previously published as pathogenic or benign to our knowledge; Occurs in the triple helical domain at the X position in the canonical Gly-X-Y repeat; although this variant may have an effect on normal protein folding and function, missense substitution at the X position is not a common mechanism of disease

Labcorp Genetics (formerly Invitae), Labcorp
Classification: Uncertain significance. Last evaluated: 2022-08-09. Review status: criteria provided, single submitter. Criteria: Invitae Variant Classification Sherloc (09022015). Collection method: clinical testing. Allele origin: germline.
Comment: This sequence change replaces phenylalanine, which is neutral and non-polar, with leucine, which is neutral and non-polar, at codon 1199 of the COL4A3 protein (p.Phe1199Leu). The frequency data for this variant in the population databases is considered unreliable, as metrics indicate poor data quality at this position in the gnomAD database. This variant has not been reported in the literature in individuals affected with COL4A3-related conditions. Advanced modeling of protein sequence and biophysical properties (such as structural, functional, and spatial information, amino acid conservation, physicochemical variation, residue mobility, and thermodynamic stability) performed at Invitae indicates that this missense variant is not expected to disrupt COL4A3 protein function. In summary, the available evidence is currently insufficient to determine the role of this variant in disease. Therefore, it has been classified as a Variant of Uncertain Significance.